The following is an entry in ClinVar:

ClinVar aggregate classification (germline): Uncertain significance. Review status: criteria provided, single submitter (1 of 4 stars). 2 submissions from 2 submitters: Uncertain significance (1). 1 of the submissions does not count toward it. Last evaluated 2024-03-18.

Conditions:
ACOX2-related disorder. Also called: ACOX2-related condition.

Submissions (2):

Ambry Genetics
Classification: Uncertain significance. Last evaluated: 2024-03-18. Review status: criteria provided, single submitter. Criteria: Ambry Variant Classification Scheme 2023. Collection method: clinical testing. Allele origin: germline.

PreventionGenetics, part of Exact Sciences
Classification: Uncertain significance for ACOX2-related condition. Last evaluated: 2024-09-16. Review status: no assertion criteria provided. Collection method: clinical testing. Allele origin: germline. Not counted in ClinVar's aggregate classification.
Comment: The ACOX2 c.80A>C variant is predicted to result in the amino acid substitution p.Tyr27Ser. To our knowledge, this variant has not been reported in the literature or in a large population database, indicating this variant is rare. At this time, the clinical significance of this variant is uncertain due to the absence of conclusive functional and genetic evidence.

NM_003500.4(ACOX2):c.80A>C (p.Tyr27Ser)

Gene: ACOX2 (acyl-CoA oxidase 2; minus strand). Cytogenetic location: 3p14.3.
Variant type: single nucleotide variant.
Coding change: c.80A>C on transcript NM_003500.4 (MANE Select); coding-DNA position 80, A replaced by C.
Protein change: p.Tyr27Ser; replaces tyrosine 27 with serine.
Molecular consequence: missense variant.
Genome position (GRCh38, 1-based): chr3:58,535,027, T>G on the plus strand (A>C on the coding strand, the complement: ACOX2 is on the minus strand). VCF-style: chr3-58535027-T-G. GRCh37 (hg19) VCF-style: chr3-58520754-T-G.
Other names: short protein forms Y27S.
Identifiers: ClinVar variation 3262172 (VCV003262172.2).